The following is an entry in ClinVar:

ClinVar aggregate classification (germline): Uncertain significance. Review status: criteria provided, multiple submitters, no conflicts (2 of 4 stars). 2 submissions from 2 submitters: Uncertain significance (2). Last evaluated 2022-02-07.

Conditions:
Multiple gastrointestinal atresias. Also called: Multiple intestinal atresia; FAMILIAL INTESTINAL POLYATRESIA SYNDROME. Identifiers: Orphanet 2300, MedGen C0220744, MONDO:0009465.

Allele frequency attached by ClinVar (database versions not stated): ExAC 0.00002; gnomAD exomes 0.00002.
gnomAD v4.1: 10 of 1,614,144 alleles (0.00062%); highest among the groups gnomAD compares: South Asian, 0.0099%; no homozygotes.

Submissions (2):

Labcorp Genetics (formerly Invitae), Labcorp
Classification: Uncertain significance for Multiple gastrointestinal atresias. Last evaluated: 2022-02-07. Review status: criteria provided, single submitter. Criteria: Invitae Variant Classification Sherloc (09022015). Collection method: clinical testing. Allele origin: germline.
Comment: In summary, the available evidence is currently insufficient to determine the role of this variant in disease. Therefore, it has been classified as a Variant of Uncertain Significance. Algorithms developed to predict the effect of missense changes on protein structure and function output the following: SIFT: "Tolerated"; PolyPhen-2: "Benign"; Align-GVGD: "Class C0". The valine amino acid residue is found in multiple mammalian species, which suggests that this missense change does not adversely affect protein function. This variant has not been reported in the literature in individuals affected with TTC7A-related conditions. This variant is present in population databases (rs753987188, gnomAD 0.01%). This sequence change replaces leucine, which is neutral and non-polar, with valine, which is neutral and non-polar, at codon 165 of the TTC7A protein (p.Leu165Val).

Blueprint Genetics
Classification: Uncertain significance. Last evaluated: 2022-01-25. Review status: criteria provided, single submitter. Criteria: ACMG Guidelines, 2015. Collection method: clinical testing. Allele origin: germline.

NM_020458.4(TTC7A):c.493C>G (p.Leu165Val)

Gene: TTC7A (tetratricopeptide repeat domain 7A; plus strand). Cytogenetic location: 2p21.
Variant type: single nucleotide variant.
Coding change: c.493C>G on transcript NM_020458.4 (MANE Select); coding-DNA position 493, C replaced by G.
Protein change: p.Leu165Val; replaces leucine 165 with valine.
Molecular consequence: missense variant. On other transcripts: 5 prime UTR variant (1).
Genome position (GRCh38, 1-based): chr2:46,956,983, C>G. VCF-style: chr2-46956983-C-G. GRCh37 (hg19) VCF-style: chr2-47184122-C-G.
Other names: c.493C>G, p.Leu165Val (NM_001288951.2); c.391C>G, p.Leu131Val (NM_001288953.2); c.-412C>G (NM_001288955.2); short protein forms L131V, L165V.
Identifiers: ClinVar variation 1934384 (VCV001934384.5), dbSNP rs753987188, ClinGen allele CA1647177.
Genomic context (GRCh38, chr2:46,956,983, plus strand): 5'-GCACGGGCCGGGATTGATGACATGTCCATGGAGAACAAGCCCCTGTATCAGATGCGGCTG[C>G]TGTCGGAGGCTTTTGTCATCAAAGGTAGCTGTGGGCACCAGCCTGGGCTCCCCTCCACTG-3'
Protein context (NP_065191.2, residues 155-175): ENKPLYQMRL[Leu165Val]SEAFVIKGLS